The following is an entry in ClinVar:

ClinVar aggregate classification (germline): Uncertain significance (1 of 4 stars; one submission).

gnomAD v4.1: 1 of 1,614,050 alleles (0.000062%); highest among the groups gnomAD compares: Non-Finnish European, 0.000085%; no homozygotes.

Submission:

GeneDx
Classification: Uncertain significance. Last evaluated: 2025-02-14. Review status: criteria provided, single submitter. Criteria: GeneDx Variant Classification Process June 2021. Collection method: clinical testing. Allele origin: germline. Affected: yes.
Comment: Not observed at significant frequency in large population cohorts (gnomAD); In silico analysis indicates that this missense variant does not alter protein structure/function; Has not been previously published as pathogenic or benign to our knowledge

NM_032188.3(KAT8):c.371A>G (p.Glu124Gly)

Gene: KAT8 (lysine acetyltransferase 8; plus strand). Cytogenetic location: 16p11.2.
Variant type: single nucleotide variant.
Coding change: c.371A>G on transcript NM_032188.3 (MANE Select); coding-DNA position 371, A replaced by G.
Protein change: p.Glu124Gly; replaces glutamic acid 124 with glycine.
Molecular consequence: missense variant.
Genome position (GRCh38, 1-based): chr16:31,120,423, A>G. VCF-style: chr16-31120423-A-G. GRCh37 (hg19) VCF-style: chr16-31131744-A-G.
Other names: c.371A>G, p.Glu124Gly (NM_182958.4); short protein forms E124G.
Identifiers: ClinVar variation 4076661 (VCV004076661.1).